The following is an entry in ClinVar:

NM_007194.4(CHEK2):c.751A>T (p.Ile251Phe)

Gene: CHEK2 (checkpoint kinase 2; minus strand). Cytogenetic location: 22q12.1.
Variant type: single nucleotide variant.
Coding change: c.751A>T on transcript NM_007194.4 (MANE Select); coding-DNA position 751, A replaced by T.
Protein change: p.Ile251Phe; replaces isoleucine 251 with phenylalanine.
Molecular consequence: missense variant.
Genome position (GRCh38, 1-based): chr22:28,711,950, T>A on the plus strand (A>T on the coding strand, the complement: CHEK2 is on the minus strand). VCF-style: chr22-28711950-T-A. GRCh37 (hg19) VCF-style: chr22-29107938-T-A.
Other names: p.I251F:ATC>TTC; c.550A>T, p.Ile184Phe (NM_001349956.3); c.751A>T, p.Ile251Phe (NM_145862.3); c.880A>T, p.Ile294Phe (NM_001005735.3); c.88A>T, p.Ile30Phe (NM_001257387.3); short protein forms I251F, I184F, I294F, I30F.
Identifiers: ClinVar variation 128086 (VCV000128086.54), dbSNP rs587780189, ClinGen allele CA288326.
Genomic context (GRCh38, chr22:28,711,950, plus strand): 5'-GCCTTTTATTGGTACTTACTGCCTCTCTTGCTGAACCAATAGCAAACTTCCTTTTGCTGA[T>A]GATCTTTATGGCTACTTTCTTACATGTTTTCCTCTCGAAAGCCAGCTTTACCTCTCCACA-3'
Protein context (NP_009125.1, residues 241-261): KTCKKVAIKI[Ile251Phe]SKRKFAIGSA

ClinVar aggregate classification (germline): Conflicting classifications of pathogenicity. Review status: criteria provided, conflicting classifications (1 of 4 stars). 22 submissions from 22 submitters: Likely pathogenic (4); Uncertain significance (15). 3 of the submissions do not count toward it. Last evaluated 2026-10-01.

Conditions:
Predisposition to cancer.
CHEK2-related disorder.
CHEK2-related cancer predisposition (TPDS4). Also called: CHEK2-related cancer susceptibility; TUMOR PREDISPOSITION SYNDROME 4; CANCER PREDISPOSITION SYNDROME, CHEK2-RELATED. Identifiers: Orphanet 524, MedGen C5882668, MONDO:0700271, OMIM 609265.
Bone osteosarcoma. Also called: Osteosarcoma, somatic. Identifiers: Orphanet 668, MedGen C0585442, MONDO:0002629, OMIM 259500.
Familial cancer of breast. Also called: hereditary breast carcinoma; BREAST CANCER, FAMILIAL; Hereditary breast cancer. Identifiers: Orphanet 227535, MedGen C0346153, MONDO:0016419, OMIM 114480. Disease mechanism: loss of function.
Prostate cancer. Also called: Malignant tumor of prostate. Identifiers: Orphanet 1331, MedGen C0376358, MONDO:0008315, HP:0012125.
Colorectal cancer. Also called: Malignant Colorectal Neoplasm; Colorectal cancer, somatic. Identifiers: MedGen C0346629, MONDO:0005575, OMIM 114500.
Hereditary cancer-predisposing syndrome. Also called: Neoplastic Syndromes, Hereditary; Hereditary Cancer Syndrome; Tumor predisposition; Hereditary neoplastic syndrome. Identifiers: Orphanet 140162, MedGen C0027672, MeSH D009386, MONDO:0015356.
Hereditary breast ovarian cancer syndrome. Also called: Hereditary breast and ovarian cancer syndrome; Breast and ovarian cancer; BRCA1- and BRCA2-Associated Hereditary Breast and Ovarian Cancer; Hereditary breast and ovarian cancer; Hereditary breast and ovarian cancer syndrome (HBOC); Hereditary breast and/or ovarian cancer syndrome. Identifiers: Orphanet 145, MedGen C0677776, MeSH D061325, MONDO:0003582. Disease mechanism: loss of function.

Allele frequency attached by ClinVar (database versions not stated): gnomAD exomes 0.00001 and 0.00003; TOPMed 0.00006; gnomAD 0.00008 and 0.00009.
gnomAD v4.1: 53 of 1,613,926 alleles (0.0033%); highest among the groups gnomAD compares: Non-Finnish European, 0.0045%; no homozygotes.

Submissions 1 to 5 of 22:

St. Jude Molecular Pathology, St. Jude Children's Research Hospital
Classification: Uncertain significance for Predisposition to cancer. Last evaluated: 2026-10-01. Review status: criteria provided, single submitter. Criteria: St. Jude Assertion Criteria 2020. Collection method: clinical testing. Allele origin: germline.
Comment: The CHEK2 c.751A>T p.(Ile251Phe) has a maximum subpopulation frequency of 0.004% in gnomAD v2.1.1. The in silico tool REVEL is inconclusive about a pathogenic or benign effect of this variant on protein function and functional assays are not in agreement about the impact of this variant on protein function. This variant was reported to be of intermed iate function in autophosphorylation assays and showed loss of KAP1 phosphorylation in kinase assays (PMID: 37449874, 34903604) while it was non-functional in an in vivo yeast-based assay (PMID: 30851065). This variant has been reported in individuals wi th breast cancer cases as well as controls (PMID: 37449874). In summary, the evidence currently available is insufficient to determine the clinical significance of this variant. It has therefore been classified as of uncertain significance (VUS-Mid)

PreventionGenetics, part of Exact Sciences
Classification: Likely pathogenic for CHEK2-related condition. Last evaluated: 2026-09-02. Review status: criteria provided, single submitter. Criteria: ACMG Guidelines, 2015. Collection method: clinical testing. Allele origin: germline.
Comment: The CHEK2 c.751A>T variant is predicted to result in the amino acid substitution p.Ile251Phe. This variant has been identified in one of two family members affected with prostate cancer (Table 1, Dong et al. 2003. PubMed ID: 12533788) and has been identified in individuals with breast cancer and in controls (Table 1, Desrichard et al. 2011. PubMed ID: 22114986; Breast Cancer Association et al. 2021. PubMed ID: 33471991; Table S1, Le Calvez-Kelm et al. 2011. PubMed ID: 21244692). This variant has been reported as uncertain in an individual undergoing testing for Lynch syndrome (Table S2, Yurgelun et al. 2015. PubMed ID: 25980754). It has also been found in an individual with colorectal cancer, who also had a pathogenic BRCA2 variant (eTable 2, Pearlman et al. 2017. PubMed ID: 27978560). In a cohort of individuals with this variant it was predicted to be deleterious based on their personal and family history of cancer (external communication). This variant has been interpreted as damaging based on assessment using an in vivo, yeast‐based, functional assay (Table 1, Delimitsou et al. 2019. PubMed ID: 30851065), and this amino acid alteration has been shown to impair kinase activity suggesting a damaging effect (Boonen et al. 2022. PubMed ID: 34903604). This variant is reported in 0.0039% of alleles in individuals of European (Non-Finnish) descent in gnomAD and and has conflicting interpretations in ClinVar ranging from likely pathogenic to uncertain (Variation ID: 128086). This variant is interpreted as likely pathogenic.

Women's Health and Genetics/Laboratory Corporation of America, LabCorp
Classification: Uncertain significance. Last evaluated: 2026-06-08. Review status: criteria provided, single submitter. Criteria: LabCorp Variant Classification Summary - May 2015. Collection method: clinical testing. Allele origin: germline.
Comment: Variant summary: CHEK2 c.751A>T (p.Ile251Phe) results in a non-conservative amino acid change located in the Protein kinase domain (IPR000719) of the encoded protein sequence. Algorithms developed to predict the effect of missense changes on protein structure and function are either unavailable or do not agree on the potential impact of this missense change. The variant allele was found at a frequency of 1.2e-05 in 255478 control chromosomes (gnomAD). c.751A>T has been reported in the literature in individuals undergoing multigene panel testing within settings of breast cancer (e.g. Desrichard_2011, Young_2016, Hauke_2018, Dorling_2021), in a family with prostate cancer where this variant did not segregate with disease among two genotyped affected family members (Dong_2003), and in individuals with colorectal cancers (Yurgelun_2015, Yurgelun_2017, Pearlman_2016). These data do not allow clear conclusions about variant significance. At least two functional studies reported experimental evidence evaluating an impact on protein function, and assigned a "damaging" functional classification in a yeast-based functional assay evaluating the DNA repair-ability after chemically induced DNA damage (Delimitsou_2019), while another study reported moderately reduced autophosphorylation, with severely reduced (~15%) kinase activity toward the phosphorylation of target protein KAP1 in a CHEK2 knockout mouse embryonic stem cell system (Boonen_2022). The following publications have been ascertained in the context of this evaluation (PMID: 31398194, 34903604, 21244692, 30851065, 22114986, 12533788, 33471991, 29522266, 27978560, 26787654, 25980754, 28135145). ClinVar contains an entry for this variant (Variation ID: 128086). Based on the evidence outlined above, the variant was classified as VUS-possibly pathogenic.

German Consortium for Hereditary Breast and Ovarian Cancer, University Hospital Cologne
Classification: Uncertain significance for Hereditary breast ovarian cancer syndrome. Last evaluated: 2026-03-10. Review status: criteria provided, single submitter. Criteria: ACMG SVI. Collection method: curation. Allele origin: germline.
Comment: This classification follows the ACMG SVI adaptation classification scheme; We chose these criteria: PS3 (supporting pathogenic): Delimitsou (2019, PMID: 30851065): Damaging (non-functional) in yeast assay. Stolarova (2023, PMID: 37449874): intermediate in CHK2-assay & damaging in KAP1-assay Boonen (2022, PMID: 34903604): intermediate observed, while kinase activity toward Kap1 was lacking), PS4 (supporting pathogenic): gAD v4: 53/806963 individuals ; v2 non-cancer 4/134110 individuals ; v3 non-cancer 12/73996 individuals ; Flossies: 2/7325 European American (AF:0.000273) Stolarova: 13/73048 pts vs. 5/88658 ctrls & Dohrling: 3/60,466 BC cases vs. 0/53,461 controls

Institute of Human Genetics, University of Leipzig Medical Center
Classification: Likely pathogenic for CHEK2-related cancer predisposition. Last evaluated: 2026-02-23. Review status: criteria provided, single submitter. Criteria: ACMG Guidelines, 2015. Collection method: clinical testing. Allele origin: unknown. Inheritance: Autosomal dominant inheritance. Affected: yes.
Comment: Criteria applied: PS3_MOD,PS4_MOD,PM2_SUP,PP3